The following is an entry in ClinVar:

NM_005342.4(HMGB3):c.92del (p.Asn31fs)

Gene: HMGB3 (high mobility group box 3; plus strand). Cytogenetic location: Xq28.
Variant type: Deletion.
Coding change: c.92del on transcript NM_005342.4 (MANE Select); coding-DNA position 92, one base deleted (A; older notation c.92delA).
Protein change: p.Asn31fs; shifts the reading frame from asparagine 31.
Molecular consequence: frameshift variant.
Genome position (GRCh38, 1-based): chrX:150,985,691, A deleted; the last of 5 consecutive A bases (chrX:150,985,687-150,985,691); deleting any one gives the same sequence. VCF-style (leftmost placement, unchanged base first): chrX-150985686-GA-G. GRCh37 (hg19) VCF-style: chrX-150154159-GA-G.
Other names: c.92del, p.Asn31fs (NM_001301228.2, NM_001301229.2); c.152del, p.Asn51fs (NM_001301231.2); short protein forms N51fs, N31fs.
Identifiers: ClinVar variation 418251 (VCV000418251.2), dbSNP rs1064793149, ClinGen allele CA16621220.
Genomic context (GRCh38, chrX:150,985,686, plus strand): 5'-AAAGGGCAAGATGTCCGCTTATGCCTTCTTTGTGCAGACATGCAGAGAAGAACATAAGAA[GA>G]AAAACCCAGAGGTCCCTGTCAATTTTGCGGAATTTTCCAAGAAGTGCTCTGAGAGGTGGA-3'

ClinVar aggregate classification (germline): Uncertain significance (1 of 4 stars; one submission).

Submission:

GeneDx
Classification: Uncertain significance. Last evaluated: 2017-01-20. Review status: criteria provided, single submitter. Criteria: GeneDx Variant Classification (06012015). Collection method: clinical testing. Allele origin: germline. Affected: yes.
Comment: The c.92delA variant in the HMGB3 gene has not been reported previously as a pathogenic variant nor as a benign variant, to our knowledge. The c.92delA variant causes a frameshift starting with codon Asparagine 31, changes this amino acid to a Threonine residue and creates a premature Stop codon at position 45 of the new reading frame, denoted p.Asn31ThrfsX45. This variant is predicted to cause loss of normal protein function either through protein truncation or nonsense-mediated mRNA decay. The c.92delA variant was not observed in approximately 6500 individuals of European and African American ancestry in the NHLBI Exome Sequencing Project, indicating it is not a common benign variant in these populations. We interpret c.92delA as a variant of uncertain significance.